The following is an entry in ClinVar:

NM_012154.5(AGO2):c.1072G>A (p.Asp358Asn)

Gene: AGO2 (argonaute RISC catalytic component 2; minus strand). Cytogenetic location: 8q24.3.
Variant type: single nucleotide variant.
Coding change: c.1072G>A on transcript NM_012154.5 (MANE Select); coding-DNA position 1072, G replaced by A.
Protein change: p.Asp358Asn; replaces aspartic acid 358 with asparagine.
Molecular consequence: missense variant.
Genome position (GRCh38, 1-based): chr8:140,556,241, C>T on the plus strand (G>A on the coding strand, the complement: AGO2 is on the minus strand). VCF-style: chr8-140556241-C-T. GRCh37 (hg19) VCF-style: chr8-141566340-C-T.
Other names: c.1072G>A, p.Asp358Asn (NM_001164623.3); short protein forms D358N.
Identifiers: ClinVar variation 2446109 (VCV002446109.1), dbSNP rs2073092398, ClinGen allele CA372322044.

ClinVar aggregate classification (germline): Uncertain significance (1 of 4 stars; one submission).

Submission:

GeneDx
Classification: Uncertain significance. Last evaluated: 2022-09-21. Review status: criteria provided, single submitter. Criteria: GeneDx Variant Classification Process June 2021. Collection method: clinical testing. Allele origin: germline. Affected: yes.
Comment: Not observed at significant frequency in large population cohorts (gnomAD); In silico analysis supports that this missense variant has a deleterious effect on protein structure/function; Has not been previously published as pathogenic or benign to our knowledge